The following is an entry in ClinVar:

ClinVar aggregate classification (germline): Uncertain significance. Review status: criteria provided, multiple submitters, no conflicts (2 of 4 stars). 2 submissions from 2 submitters: Uncertain significance (2). Last evaluated 2025-10-05.

Conditions:
Breast-ovarian cancer, familial, susceptibility to, 4. Identifiers: Orphanet 145, MedGen C3280345, MONDO:0013669, OMIM 614291.
Hereditary cancer-predisposing syndrome. Also called: Neoplastic Syndromes, Hereditary; Hereditary Cancer Syndrome; Tumor predisposition; Hereditary neoplastic syndrome. Identifiers: Orphanet 140162, MedGen C0027672, MeSH D009386, MONDO:0015356.

Submissions (2):

Labcorp Genetics (formerly Invitae), Labcorp
Classification: Uncertain significance for Breast-ovarian cancer, familial, susceptibility to, 4. Last evaluated: 2025-10-05. Review status: criteria provided, single submitter. Criteria: Invitae Variant Classification Sherloc (09022015). Collection method: clinical testing. Allele origin: germline.
Comment: This sequence change replaces glutamic acid, which is acidic and polar, with glycine, which is neutral and non-polar, at codon 74 of the RAD51D protein (p.Glu74Gly). This variant is not present in population databases (gnomAD no frequency). This variant has not been reported in the literature in individuals affected with RAD51D-related conditions. ClinVar contains an entry for this variant (Variation ID: 854828). Invitae Evidence Modeling of protein sequence and biophysical properties (such as structural, functional, and spatial information, amino acid conservation, physicochemical variation, residue mobility, and thermodynamic stability) indicates that this missense variant is not expected to disrupt RAD51D protein function with a negative predictive value of 80%. In summary, the available evidence is currently insufficient to determine the role of this variant in disease. Therefore, it has been classified as a Variant of Uncertain Significance.

Ambry Genetics
Classification: Uncertain significance for Hereditary cancer-predisposing syndrome. Last evaluated: 2022-06-24. Review status: criteria provided, single submitter. Criteria: Ambry Variant Classification Scheme 2023. Collection method: clinical testing. Allele origin: germline.
Comment: The p.E74G variant (also known as c.221A>G), located in coding exon 3 of the RAD51D gene, results from an A to G substitution at nucleotide position 221. The glutamic acid at codon 74 is replaced by glycine, an amino acid with similar properties. This amino acid position is highly conserved in available vertebrate species. In addition, this alteration is predicted to be deleterious by in silico analysis. Since supporting evidence is limited at this time, the clinical significance of this alteration remains unclear.

NM_002878.4(RAD51D):c.221A>G (p.Glu74Gly)

Genes: RAD51D (RAD51 paralog D; minus strand), RAD51L3-RFFL (RAD51L3-RFFL readthrough; minus strand). Cytogenetic location: 17q12.
Variant type: single nucleotide variant.
Coding change: c.221A>G on transcript NM_002878.4 (MANE Select); coding-DNA position 221, A replaced by G.
Protein change: p.Glu74Gly; replaces glutamic acid 74 with glycine.
Molecular consequence: missense variant. On other transcripts: intron variant (2).
Genome position (GRCh38, 1-based): chr17:35,118,543, T>C on the plus strand (A>G on the coding strand, the complement: RAD51D is on the minus strand). VCF-style: chr17-35118543-T-C. GRCh37 (hg19) VCF-style: chr17-33445562-T-C.
Other names: c.144+568A>G (NM_133629.3, NM_001142571.2); short protein forms E74G.
Identifiers: ClinVar variation 854828 (VCV000854828.12), dbSNP rs2091776575, ClinGen allele CA399091262.